The following is an entry in ClinVar:

NM_032806.6(POMGNT2):c.396C>G (p.Phe132Leu)

Gene: POMGNT2 (protein O-linked mannose N-acetylglucosaminyltransferase 2 (beta 1,4-); minus strand). Cytogenetic location: 3p22.1.
Variant type: single nucleotide variant.
Coding change: c.396C>G on transcript NM_032806.6 (MANE Select); coding-DNA position 396, C replaced by G.
Protein change: p.Phe132Leu; replaces phenylalanine 132 with leucine.
Molecular consequence: missense variant.
Genome position (GRCh38, 1-based): chr3:43,081,036, G>C on the plus strand (C>G on the coding strand, the complement: POMGNT2 is on the minus strand). VCF-style: chr3-43081036-G-C. GRCh37 (hg19) VCF-style: chr3-43122528-G-C.
Other names: c.396C>G (NM_032806.4); short protein forms F132L.
Identifiers: ClinVar variation 580343 (VCV000580343.5), dbSNP rs150567400, ClinGen allele CA2340092.

ClinVar aggregate classification (germline): Uncertain significance. Review status: criteria provided, multiple submitters, no conflicts (2 of 4 stars). 3 submissions from 3 submitters: Uncertain significance (3). Last evaluated 2024-11-10.

Conditions:
Inborn genetic diseases. Identifiers: MedGen C0950123, MeSH D030342.
Muscular dystrophy-dystroglycanopathy (congenital with brain and eye anomalies), type a, 8 (MDDGA8). Also called: WALKER-WARBURG SYNDROME OR MUSCLE-EYE-BRAIN DISEASE, GTDC2-RELATED. Identifiers: Orphanet 899, MedGen C3553813, MONDO:0013904, OMIM 614830.

Allele frequency attached by ClinVar (database versions not stated): TOPMed 0.00004; gnomAD 0.00006.
gnomAD v4.1: 139 of 1,614,118 alleles (0.0086%); highest among the groups gnomAD compares: Non-Finnish European, 0.011%; no homozygotes.

Submissions (3):

Ambry Genetics
Classification: Uncertain significance for Inborn genetic diseases. Last evaluated: 2024-11-10. Review status: criteria provided, single submitter. Criteria: Ambry Variant Classification Scheme 2023. Collection method: clinical testing. Allele origin: germline.

Revvity Omics, Revvity
Classification: Uncertain significance. Last evaluated: 2023-10-04. Review status: criteria provided, single submitter. Criteria: ACMG Guidelines, 2015. Collection method: clinical testing. Allele origin: germline.

Labcorp Genetics (formerly Invitae), Labcorp
Classification: Uncertain significance for Muscular dystrophy-dystroglycanopathy (congenital with brain and eye anomalies), type a, 8. Last evaluated: 2022-03-09. Review status: criteria provided, single submitter. Criteria: Invitae Variant Classification Sherloc (09022015). Collection method: clinical testing. Allele origin: germline.
Comment: This sequence change replaces phenylalanine, which is neutral and non-polar, with leucine, which is neutral and non-polar, at codon 132 of the POMGNT2 protein (p.Phe132Leu). This variant is present in population databases (rs150567400, gnomAD 0.004%). This variant has not been reported in the literature in individuals affected with POMGNT2-related conditions. ClinVar contains an entry for this variant (Variation ID: 580343). Algorithms developed to predict the effect of missense changes on protein structure and function are either unavailable or do not agree on the potential impact of this missense change (SIFT: "Deleterious"; PolyPhen-2: "Probably Damaging"; Align-GVGD: "Class C15"). In summary, the available evidence is currently insufficient to determine the role of this variant in disease. Therefore, it has been classified as a Variant of Uncertain Significance.